The following is an entry in ClinVar:

NM_000540.3(RYR1):c.152C>T (p.Thr51Ile)

Gene: RYR1 (ryanodine receptor 1; plus strand). Cytogenetic location: 19q13.2.
Variant type: single nucleotide variant.
Coding change: c.152C>T on transcript NM_000540.3 (MANE Select); coding-DNA position 152, C replaced by T.
Protein change: p.Thr51Ile; replaces threonine 51 with isoleucine.
Molecular consequence: missense variant.
Genome position (GRCh38, 1-based): chr19:38,440,851, C>T. VCF-style: chr19-38440851-C-T. GRCh37 (hg19) VCF-style: chr19-38931491-C-T.
Other names: c.152C>T, p.Thr51Ile (NM_001042723.2); short protein forms T51I.
Identifiers: ClinVar variation 3069782 (VCV003069782.1), dbSNP rs193922749, ClinGen allele CA062078.

ClinVar aggregate classification (germline): Uncertain significance (1 of 4 stars; one submission).

Conditions:
Malignant hyperthermia, susceptibility to, 1 (MHS1). Also called: RYR1-Related Malignant Hyperthermia Susceptibility; Anesthesia related hyperthermia; Malignant hyperpyrexia; Fulminating hyperpyrexia; Pharmacogenic myopathy; Malignant hyperthermia suceptibility 1. Identifiers: Orphanet 423, MedGen C2930980, MONDO:0007783, OMIM 145600.

gnomAD v4.1: 3 of 1,611,932 alleles (0.00019%); highest among the groups gnomAD compares: East Asian, 0.0067%; no homozygotes.

Submission:

All of Us Research Program, National Institutes of Health
Classification: Uncertain significance for Malignant hyperthermia, susceptibility to, 1. Last evaluated: 2023-03-09. Review status: criteria provided, single submitter. Criteria: ACMG Guidelines, 2015. Collection method: clinical testing. Allele origin: germline. Inheritance: Autosomal dominant inheritance. Observed: 1 variant allele, 1 heterozygote.
Comment: This missense variant replaces threonine with isoleucine at codon 51 of the RYR1 protein. Computational prediction is inconclusive regarding the impact of this variant on protein structure and function (internally defined REVEL score threshold 0.5 < inconclusive < 0.7, PMID: 27666373). To our knowledge, functional studies have not been reported for this variant. This variant has not been reported in individuals affected with RYR1-related disorders in the literature. This variant has been identified in 1/243498 chromosomes in the general population by the Genome Aggregation Database (gnomAD). The available evidence is insufficient to determine the role of this variant in disease conclusively. Therefore, this variant is classified as a Variant of Uncertain Significance.

This study involves interpretation of variants in research participants for the purpose of population health screening. Participant phenotype was not available at the time of variant classification. Additional details can be found in publication PMID: 35346344, PMCID: PMC8962531